The following is an entry in ClinVar:

ClinVar aggregate classification (germline): Uncertain significance (1 of 4 stars; one submission).

Submission:

Labcorp Genetics (formerly Invitae), Labcorp
Classification: Uncertain significance. Last evaluated: 2024-01-19. Review status: criteria provided, single submitter. Criteria: Invitae Variant Classification Sherloc (09022015). Collection method: clinical testing. Allele origin: germline.
Comment: This sequence change replaces arginine, which is basic and polar, with threonine, which is neutral and polar, at codon 141 of the LBR protein (p.Arg141Thr). This variant is not present in population databases (gnomAD no frequency). This variant has not been reported in the literature in individuals affected with LBR-related conditions. Advanced modeling of protein sequence and biophysical properties (such as structural, functional, and spatial information, amino acid conservation, physicochemical variation, residue mobility, and thermodynamic stability) performed at Invitae indicates that this missense variant is not expected to disrupt LBR protein function with a negative predictive value of 95%. In summary, the available evidence is currently insufficient to determine the role of this variant in disease. Therefore, it has been classified as a Variant of Uncertain Significance.

NM_002296.4(LBR):c.422G>C (p.Arg141Thr)

Gene: LBR (lamin B receptor; minus strand). Cytogenetic location: 1q42.12.
Variant type: single nucleotide variant.
Coding change: c.422G>C on transcript NM_002296.4 (MANE Select); coding-DNA position 422, G replaced by C.
Protein change: p.Arg141Thr; replaces arginine 141 with threonine.
Molecular consequence: missense variant.
Genome position (GRCh38, 1-based): chr1:225,419,743, C>G on the plus strand (G>C on the coding strand, the complement: LBR is on the minus strand). VCF-style: chr1-225419743-C-G. GRCh37 (hg19) VCF-style: chr1-225607445-C-G.
Other names: c.422G>C, p.Arg141Thr (NM_194442.3); short protein forms R141T.
Identifiers: ClinVar variation 3017715 (VCV003017715.3), dbSNP rs2527824439, ClinGen allele CA345000462.